The following is an entry in ClinVar:

ClinVar aggregate classification (germline): Pathogenic. Review status: criteria provided, multiple submitters, no conflicts (2 of 4 stars). 2 submissions from 2 submitters: Pathogenic (2). Last evaluated 2025-10-21.

Conditions:
Primary ciliary dyskinesia. Also called: Ciliary dyskinesia. Identifiers: Orphanet 244, MedGen C0008780, MONDO:0016575, HP:0012265.
Primary ciliary dyskinesia 3. Identifiers: Orphanet 244, MedGen C1837618, MONDO:0012085, OMIM 608644.

Allele frequency attached by ClinVar (database versions not stated): TOPMed below 0.00001; ExAC 0.00001; gnomAD 0.00001; gnomAD exomes below 0.00001.
gnomAD v4.1: 3 of 1,613,444 alleles (0.00019%); highest among the groups gnomAD compares: Non-Finnish European, 0.00025%; no homozygotes.

Submissions (2):

Myriad Genetics, Inc.
Classification: Pathogenic for Primary ciliary dyskinesia 3. Last evaluated: 2025-10-21. Review status: criteria provided, single submitter. Criteria: Myriad Autosomal Dominant, Autosomal Recessive and X-Linked Classification Criteria (2023). Collection method: clinical testing. Allele origin: unknown.
Comment: NM_001369.2(DNAH5):c.3444G>A(W1148*) is expected to be pathogenic in the context of primary ciliary dyskinesia, DNAH5-related. This variant is predicted to lead to an abnormal or absent protein product due to the creation of a premature termination codon in DNAH5, a gene where loss-of-function variants are known to be pathogenic. Please note: this variant was assessed in the context of healthy population screening.

Labcorp Genetics (formerly Invitae), Labcorp
Classification: Pathogenic for Primary ciliary dyskinesia. Last evaluated: 2023-03-03. Review status: criteria provided, single submitter. Criteria: Invitae Variant Classification Sherloc (09022015). Collection method: clinical testing. Allele origin: germline.
Comment: This variant has not been reported in the literature in individuals affected with DNAH5-related conditions. This variant is present in population databases (rs771350745, gnomAD 0.0009%). This sequence change creates a premature translational stop signal (p.Trp1148*) in the DNAH5 gene. It is expected to result in an absent or disrupted protein product. Loss-of-function variants in DNAH5 are known to be pathogenic (PMID: 11788826, 16627867). For these reasons, this variant has been classified as Pathogenic.

Literature cited by the submitters: PubMed 11788826 (cited by Labcorp Genetics (formerly Invitae), Labcorp); PubMed 16627867 (cited by Labcorp Genetics (formerly Invitae), Labcorp).

NM_001369.3(DNAH5):c.3444G>A (p.Trp1148Ter)

Genes: DNAH5 (dynein axonemal heavy chain 5; minus strand), DNAH5-AS1 (DNAH5 antisense RNA 1; plus strand). Cytogenetic location: 5p15.2.
Variant type: single nucleotide variant.
Coding change: c.3444G>A on transcript NM_001369.3 (MANE Select); coding-DNA position 3444, G replaced by A.
Protein change: p.Trp1148Ter; replaces tryptophan 1148 with a stop codon.
Molecular consequence: nonsense.
Genome position (GRCh38, 1-based): chr5:13,871,718, C>T on the plus strand (G>A on the coding strand, the complement: DNAH5 is on the minus strand). VCF-style: chr5-13871718-C-T. GRCh37 (hg19) VCF-style: chr5-13871827-C-T.
Other names: short protein forms W1148*.
Identifiers: ClinVar variation 2842460 (VCV002842460.4), dbSNP rs771350745, ClinGen allele CA3204266.